The following is an entry in ClinVar:

ClinVar aggregate classification (germline): Likely pathogenic (0 of 4 stars; one submission).

Conditions:
Intellectual developmental disorder, X-linked, syndromic, Billuart type. Also called: MENTAL RETARDATION, X-LINKED 60; X-linked intellectual disability-cerebellar hypoplasia syndrome. Identifiers: Orphanet 137831, MedGen C1845366, MONDO:0010337, OMIM 300486.

Submission:

Solve-RD Consortium
Classification: Likely pathogenic for Intellectual developmental disorder, X-linked, syndromic, Billuart type. Last evaluated: 2024-06-01. Review status: no assertion criteria provided. Collection method: provider interpretation. Allele origin: de novo. Affected: yes.
Comment: This CNV was confirmed by the submitting clinician to impact a gene that corresponds with the phenotype of the affected individual, and thus deemed to be causative for their condition.

Literature cited by the submitters: PubMed 39825153.

GRCh37/hg19 Xq12(chrX:67433703-67454430)x2

Gene: OPHN1 (oligophrenin 1; minus strand). Cytogenetic location: Xq12.
Variant type: copy number gain.
Change: copy number 2 of chrX:67,433,703-67,454,430 (20.7 kb, GRCh37 coordinates, 1-based), cytogenetic band Xq12.
Identifiers: ClinVar variation 3338467 (VCV003338467.1).